The following is an entry in ClinVar:

ClinVar aggregate classification (germline): Uncertain significance. Review status: criteria provided, multiple submitters, no conflicts (2 of 4 stars). 2 submissions from 2 submitters: Uncertain significance (2). Last evaluated 2025-09-01.

Conditions:
Inborn genetic diseases. Identifiers: MedGen C0950123, MeSH D030342.

Allele frequency attached by ClinVar (database versions not stated): gnomAD exomes below 0.00001; TOPMed below 0.00001.
gnomAD v4.1: 4 of 1,613,750 alleles (0.00025%); highest among the groups gnomAD compares: Admixed American, 0.0017%; no homozygotes.

Submissions (2):

Ambry Genetics
Classification: Uncertain significance for Inborn genetic diseases. Last evaluated: 2025-09-01. Review status: criteria provided, single submitter. Criteria: Ambry Variant Classification Scheme 2023. Collection method: clinical testing. Allele origin: germline.

Mayo Clinic Laboratories, Mayo Clinic
Classification: Uncertain significance. Last evaluated: 2022-07-11. Review status: criteria provided, single submitter. Criteria: ACMG Guidelines, 2015. Collection method: clinical testing. Allele origin: germline. Observed: 1 variant allele.
Comment: PM2

NM_020320.5(RARS2):c.569A>G (p.Tyr190Cys)

Gene: RARS2 (arginyl-tRNA synthetase 2, mitochondrial; minus strand). Cytogenetic location: 6q15.
Variant type: single nucleotide variant.
Coding change: c.569A>G on transcript NM_020320.5 (MANE Select); coding-DNA position 569, A replaced by G.
Protein change: p.Tyr190Cys; replaces tyrosine 190 with cysteine.
Molecular consequence: missense variant. On other transcripts: non-coding transcript variant (18).
Genome position (GRCh38, 1-based): chr6:87,541,961, T>C on the plus strand (A>G on the coding strand, the complement: RARS2 is on the minus strand). VCF-style: chr6-87541961-T-C. GRCh37 (hg19) VCF-style: chr6-88251679-T-C.
Other names: p.Tyr190Cys; c.44A>G, p.Tyr15Cys (NM_001318785.2, NM_001350506.2, NM_001350507.2 and 4 more transcripts); c.569A>G, p.Tyr190Cys (NM_001350505.2); c.569A>G (NM_020320.3); short protein forms Y15C, Y190C.
Identifiers: ClinVar variation 2682943 (VCV002682943.2), dbSNP rs894439979, ClinGen allele CA142859903.